The following is an entry in ClinVar:

ClinVar aggregate classification (germline): Uncertain significance (1 of 4 stars; one submission).

Conditions:
Pitt-Hopkins-like syndrome 2 (PTHSL2). Identifiers: Orphanet 221150, Orphanet 600663, MedGen C3280479, MONDO:0013690, OMIM 614325.

Submission:

Labcorp Genetics (formerly Invitae), Labcorp
Classification: Uncertain significance for Pitt-Hopkins-like syndrome 2. Last evaluated: 2024-12-05. Review status: criteria provided, single submitter. Criteria: Invitae Variant Classification Sherloc (09022015). Collection method: clinical testing. Allele origin: germline.
Comment: This sequence change replaces threonine, which is neutral and polar, with isoleucine, which is neutral and non-polar, at codon 872 of the NRXN1 protein (p.Thr872Ile). This variant is not present in population databases (gnomAD no frequency). This variant has not been reported in the literature in individuals affected with NRXN1-related conditions. An algorithm developed to predict the effect of missense changes on protein structure and function (PolyPhen-2) suggests that this variant is likely to be tolerated. In summary, the available evidence is currently insufficient to determine the role of this variant in disease. Therefore, it has been classified as a Variant of Uncertain Significance.

NM_001330078.2(NRXN1):c.2495C>T (p.Thr832Ile)

Gene: NRXN1 (neurexin 1; minus strand). Cytogenetic location: 2p16.3.
Variant type: single nucleotide variant.
Coding change: c.2495C>T on transcript NM_001330078.2 (MANE Select); coding-DNA position 2495, C replaced by T.
Protein change: p.Thr832Ile; replaces threonine 832 with isoleucine.
Molecular consequence: missense variant.
Genome position (GRCh38, 1-based): chr2:50,506,497, G>A on the plus strand (C>T on the coding strand, the complement: NRXN1 is on the minus strand). VCF-style: chr2-50506497-G-A. GRCh37 (hg19) VCF-style: chr2-50733635-G-A.
Other names: c.2615C>T, p.Thr872Ile (NM_001135659.3); c.2471C>T, p.Thr824Ile (NM_001330077.2, NM_001330082.2); c.2429C>T, p.Thr810Ile (NM_001330083.2, NM_001330084.2); c.2468C>T, p.Thr823Ile (NM_001330085.2); c.2495C>T, p.Thr832Ile (NM_001330086.2, NM_004801.6); c.2384C>T, p.Thr795Ile (NM_001330087.2, NM_001330096.2); c.2414C>T, p.Thr805Ile (NM_001330088.2); c.2492C>T, p.Thr831Ile (NM_001330093.2); and 2 more; short protein forms T823I, T824I, T831I, T872I, T795I, T805I, T815I, T810I.
Identifiers: ClinVar variation 3668066 (VCV003668066.2).